The following is an entry in ClinVar:

ClinVar aggregate classification (germline): Uncertain significance. Review status: criteria provided, multiple submitters, no conflicts (2 of 4 stars). 3 submissions from 3 submitters: Uncertain significance (3). Last evaluated 2025-06-12.

Conditions:
Seizures, benign familial infantile, 3 (BFIS3). Also called: Familial neonatal seizures; CONVULSIONS, BENIGN FAMILIAL INFANTILE, 3. Identifiers: Orphanet 140927, Orphanet 306, MedGen C1843140, MONDO:0011904, OMIM 607745.
Developmental and epileptic encephalopathy, 11 (DEE11). Also called: Early infantile epileptic encephalopathy 11. Identifiers: Orphanet 1934, MedGen C3150987, MONDO:0013388, OMIM 613721.

Submissions (3):

Labcorp Genetics (formerly Invitae), Labcorp
Classification: Uncertain significance for Seizures, benign familial infantile, 3; Developmental and epileptic encephalopathy, 11. Last evaluated: 2025-06-12. Review status: criteria provided, single submitter. Criteria: Invitae Variant Classification Sherloc (09022015). Collection method: clinical testing. Allele origin: germline.
Comment: This sequence change replaces aspartic acid, which is acidic and polar, with glutamic acid, which is acidic and polar, at codon 1856 of the SCN2A protein (p.Asp1856Glu). This variant is not present in population databases (gnomAD no frequency). This variant has not been reported in the literature in individuals affected with SCN2A-related conditions. ClinVar contains an entry for this variant (Variation ID: 2504445). Invitae Evidence Modeling of protein sequence and biophysical properties (such as structural, functional, and spatial information, amino acid conservation, physicochemical variation, residue mobility, and thermodynamic stability) indicates that this missense variant is expected to disrupt SCN2A protein function with a positive predictive value of 95%. In summary, the available evidence is currently insufficient to determine the role of this variant in disease. Therefore, it has been classified as a Variant of Uncertain Significance.

GeneDx
Classification: Uncertain significance. Last evaluated: 2025-05-14. Review status: criteria provided, single submitter. Criteria: GeneDx Variant Classification Process June 2021. Collection method: clinical testing. Allele origin: germline. Affected: yes.
Comment: Not observed at significant frequency in large population cohorts (gnomAD); In silico analysis supports that this missense variant has a deleterious effect on protein structure/function; Has not been previously published as pathogenic or benign to our knowledge; This substitution is predicted to be within the C-terminal cytoplasmic domain

ARUP Laboratories, Molecular Genetics and Genomics, ARUP Laboratories
Classification: Uncertain significance. Last evaluated: 2025-02-12. Review status: criteria provided, single submitter. Criteria: ARUP Molecular Germline Variant Investigation Process 2024. Collection method: clinical testing. Allele origin: germline.
Comment: The SCN2A c.5568C>A; p.Asp1856Glu variant, to our knowledge, is not reported in the medical literature but is reported in ClinVar (Variation ID: 2504445). This variant is also absent from the Genome Aggregation Database (v2.1.1), indicating it is not a common polymorphism. Computational analyses predict that this variant is deleterious (REVEL: 0.894). However, given the lack of clinical and functional data, the significance of this variant is uncertain at this time.

NM_001040142.2(SCN2A):c.5568C>A (p.Asp1856Glu)

Gene: SCN2A (sodium voltage-gated channel alpha subunit 2; plus strand). Cytogenetic location: 2q24.3.
Variant type: single nucleotide variant.
Coding change: c.5568C>A on transcript NM_001040142.2 (MANE Select); coding-DNA position 5568, C replaced by A.
Protein change: p.Asp1856Glu; replaces aspartic acid 1856 with glutamic acid.
Molecular consequence: missense variant.
Genome position (GRCh38, 1-based): chr2:165,389,374, C>A. VCF-style: chr2-165389374-C-A. GRCh37 (hg19) VCF-style: chr2-166245884-C-A.
Other names: c.5568C>A, p.Asp1856Glu (NM_001371246.1, NM_001371247.1, NM_021007.3 and 1 more transcripts); short protein forms D1856E.
Identifiers: ClinVar variation 2504445 (VCV002504445.4), dbSNP rs144058186, ClinGen allele CA349039382.